The following is an entry in ClinVar:

NM_003242.6(TGFBR2):c.1583G>A (p.Arg528His)

Gene: TGFBR2 (transforming growth factor beta receptor 2; plus strand). Cytogenetic location: 3p24.1.
Variant type: single nucleotide variant.
Coding change: c.1583G>A on transcript NM_003242.6 (MANE Select); coding-DNA position 1583, G replaced by A.
Protein change: p.Arg528His; replaces arginine 528 with histidine.
Molecular consequence: missense variant.
Genome position (GRCh38, 1-based): chr3:30,691,478, G>A. VCF-style: chr3-30691478-G-A. GRCh37 (hg19) VCF-style: chr3-30732970-G-A.
Other names: p.R528H:CGT>CAT; c.1766G>A, p.Arg589His (NM_001407126.1); c.1691G>A, p.Arg564His (NM_001407127.1); c.1610G>A, p.Arg537His (NM_001407128.1); c.1586G>A, p.Arg529His (NM_001407129.1); c.1580G>A, p.Arg527His (NM_001407130.1); c.1478G>A, p.Arg493His (NM_001407132.1, NM_001407133.1, NM_001407134.1 and 2 more transcripts); c.1658G>A, p.Arg553His (NM_001024847.3); and 3 more; short protein forms R528H, R553H, R238H, R408H, R537H, R564H, R589H, R433H.
Identifiers: ClinVar variation 12511 (VCV000012511.20), dbSNP rs104893815, ClinGen allele CA020730.
Genomic context (GRCh38, chr3:30,691,478, plus strand): 5'-AGGGCATCCAGATGGTGTGTGAGACGTTGACTGAGTGCTGGGACCACGACCCAGAGGCCC[G>A]TCTCACAGCCCAGTGTGTGGCAGAACGCTTCAGTGAGCTGGAGCATCTGGACAGGCTCTC-3'
Protein context (NP_003233.4, residues 518-538): TECWDHDPEA[Arg528His]LTAQCVAERF

ClinVar aggregate classification (germline): Pathogenic. Review status: criteria provided, multiple submitters, no conflicts (2 of 4 stars). 9 submissions from 8 submitters: Pathogenic (7). 2 of the submissions do not count toward it. Last evaluated 2026-05-28.
ClinVar aggregate classification (somatic clinical impact): Tier I - Strong (1 of 4 stars; one submission).
ClinVar aggregate classification (oncogenicity): Likely oncogenic (1 of 4 stars; one submission).

Conditions:
TGFBR2-related disorder. Also called: TGFBR2-related condition.
Loeys-Dietz syndrome (LDS). Identifiers: Orphanet 60030, MedGen C2697932, MONDO:0018954.
Familial thoracic aortic aneurysm and aortic dissection (TAAD). Also called: Thoracic aortic aneurysms and dissections. Identifiers: Orphanet 91387, MedGen C4707243, MONDO:0019625.
Loeys-Dietz syndrome 2 (LDS2). Also called: TGFBR2-Related Loeys-Dietz Syndrome; AORTIC ANEURYSM, FAMILIAL THORACIC 3; MARFAN SYNDROME, TYPE II; Marfan syndrome, type 2 (formerly); Marfan Syndrome type 2; Marfan like connective tissue disorder. Identifiers: Orphanet 284973, Orphanet 558, MedGen C2674574, MONDO:0012427, OMIM 610168.
Colorectal cancer, hereditary nonpolyposis, type 6. Also called: Colon cancer, hereditary nonpolyposis, type 6; Colon cancer, hereditary nonpolyposis, type 6, somatic. Identifiers: Orphanet 144, MedGen C1860896, MONDO:0013695, OMIM 614331.
Adenocarcinoma of the large intestine. Identifiers: MedGen C1319315, MONDO:0005008, HP:0040275.
Neoplasm. Also called: Neoplasms; Neoplasm (disease); tumor. Identifiers: MedGen C0027651, MeSH D009369, MONDO:0005070, HP:0002664.

Submissions (11):

Center for Genomic Medicine, Rigshospitalet, Copenhagen University Hospital
Classification: Likely oncogenic for Neoplasm. Last evaluated: 2026-10-16. Review status: criteria provided, single submitter. Criteria: ClinGen/CGC/VICC Guidelines for Oncogenicity, 2022. Collection method: clinical testing. Allele origin: somatic. Affected: yes.

Victorian Clinical Genetics Services, Murdoch Childrens Research Institute
Classification: Pathogenic for Loeys-Dietz syndrome 2. Last evaluated: 2026-05-28. Review status: criteria provided, single submitter. Criteria: ACMG Guidelines, 2015. Collection method: clinical testing. Allele origin: germline. Affected: yes.
Comment: This variant is classified as Pathogenic. Evidence in support of pathogenic classification: Variant is absent from gnomAD (v2, v3 and v4); This variant has strong previous evidence of pathogenicity in unrelated individuals. It has been classified as pathogenic by clinical laboratories in ClinVar; Other missense variant(s) comparable to the one identified in this case have very strong previous evidence for pathogenicity. p.(Arg528Cys), p.(Arg528Leu), and p.(Arg528Ser) have been classified as pathogenic, and p.(Arg528Gly) has been classified as likely pathogenic, by clinical laboratories in ClinVar; Missense variant predicted to be damaging by in silico tool(s) or highly conserved with a major amino acid change; Additional information: Variant is predicted to result in a missense amino acid change from Arg to His; This variant is heterozygous; This gene is associated with autosomal dominant disease; Gain of function is a known mechanism of disease in this gene and is associated with Loeys-Dietz syndrome 2 (MIM#610168). Additionally, loss of function has been suggested for particular missense variants (PMIDs: 20301312, 15731757, 32528524, 28679693).

Ambry Genetics
Classification: Pathogenic for Familial thoracic aortic aneurysm and aortic dissection. Last evaluated: 2025-05-21. Review status: criteria provided, single submitter. Criteria: Ambry Variant Classification Scheme 2023. Collection method: clinical testing. Allele origin: germline.
Comment: The p.R528H pathogenic mutation (also known as c.1583G>A), located in coding exon 7 of the TGFBR2 gene, results from a G to A substitution at nucleotide position 1583. The arginine at codon 528 is replaced by histidine, an amino acid with highly similar properties. This variant was reported in individual(s) with features consistent with Loeys-Dietz syndrome; in at least one individual, it was determined to be de novo (Loeys BL et al. Nat Genet, 2005 Mar;37:275-81; Ting TW et al. Eur J Pediatr, 2014 Mar;173:387-91; Kuppler KM et al. Am J Med Genet A, 2012 May;158A:1212-5). This variant may have an impact on protein function (Inamoto S et al. Cardiovasc Res, 2010 Dec;88:520-9). This amino acid position is highly conserved in available vertebrate species. In addition, this alteration is predicted to be deleterious by in silico analysis. This variant is considered to be rare based on population cohorts in the Genome Aggregation Database (gnomAD). Based on the supporting evidence, this variant is interpreted as a disease-causing mutation.

Labcorp Genetics (formerly Invitae), Labcorp
Classification: Pathogenic for Familial thoracic aortic aneurysm and aortic dissection. Last evaluated: 2024-12-05. Review status: criteria provided, single submitter. Criteria: Invitae Variant Classification Sherloc (09022015). Collection method: clinical testing. Allele origin: germline.
Comment: This sequence change replaces arginine, which is basic and polar, with histidine, which is basic and polar, at codon 528 of the TGFBR2 protein (p.Arg528His). This variant is not present in population databases (gnomAD no frequency). This missense change has been observed in individual(s) with clinical features of TGFBR2-related conditions (PMID: 15731757, 16928994, 19996017, 20956634, 22488992, 23103230, 25116393). In at least one individual the variant was observed to be de novo. ClinVar contains an entry for this variant (Variation ID: 12511). Invitae Evidence Modeling incorporating data from in vitro experimental studies (internal data) indicates that this missense variant is expected to disrupt TGFBR2 function with a positive predictive value of 95%. For these reasons, this variant has been classified as Pathogenic.

3billion
Classification: Pathogenic for Loeys-Dietz syndrome 2. Last evaluated: 2024-11-11. Review status: criteria provided, single submitter. Criteria: ACMG Guidelines, 2015. Collection method: clinical testing. Allele origin: germline. Affected: yes.
Comment: The variant is not observed in the gnomAD v4.1.0 dataset. Predicted Consequence/Location: Missense variant. Missense changes are a common disease-causing mechanism. In silico tool predictions suggest damaging effect of the variant on gene or gene product [REVEL: 0.97 (>=0.6, sensitivity 0.68 and specificity 0.92); 3Cnet: 0.95 (>=0.6, sensitivity 0.72 and precision 0.9)]. The same nucleotide change resulting in the same amino acid change has been previously reported as pathogenic/likely pathogenic with strong evidence (ClinVar ID: VCV000012511 /PMID: 15731757 /3billion dataset). Different missense changes at the same codon (p.Arg528Cys, p.Arg528Gly, p.Arg528Pro, p.Arg528Ser) have been reported as pathogenic/likely pathogenic with strong evidence (ClinVar ID: VCV000012512, VCV001299545, VCV001702293 /PMID: 15731757, 24333532, 26096872, 35689619). Therefore, this variant is classified as Pathogenic according to the recommendation of ACMG/AMP guideline.

GeneDx
Classification: Pathogenic. Last evaluated: 2024-11-05. Review status: criteria provided, single submitter. Criteria: GeneDx Variant Classification Process June 2021. Collection method: clinical testing. Allele origin: germline. Affected: yes.
Comment: Observed in multiple unrelated patients from different ethnic backgrounds with LoeysDietz syndrome (LDS) either referred for genetic testing at GeneDx or in published literature (PMID: 16928994, 15731757, 17470566, 18781618, 23884466, 23103230); Published functional studies demonstrate variant has a dominant-negative effect on the TGFBR2 gene (PMID: 21267002, 21098638, 20628007); In silico analysis supports that this missense variant has a deleterious effect on protein structure/function; Not observed at significant frequency in large population cohorts (gnomAD); This variant is associated with the following publications: (PMID: 22488992, 30406707, 15731757, 21098638, 17470566, 18781618, 19996017, 20628007, 23103230, 16791849, 23884466, 27879313, 27508510, 31536524, 32152251, 34916229, 36493725, 21267002, 16928994)

Institute for Genomic Medicine (IGM) Clinical Laboratory, Nationwide Children's Hospital
Classification: Tier I - Strong for Adenocarcinoma of the large intestine. Assertion type: diagnostic. Clinical significance: supports diagnosis. Last evaluated: 2024-05-23. Review status: criteria provided, single submitter. Criteria: AMP/ASCO/CAP Guidelines, 2017. Collection method: clinical testing. Allele origin: somatic. Affected: yes.
Comment: Variant has Tier I (strong) clinical significance as a diagnostic inclusion criterion in colorectal adenocarcinoma, based on the following evidence: 1) Documented in one or more cancer databases (e.g., St. Jude Pecan, COSMIC, CIViC, OncoKB). 2) Appears in one or more well-established professional guidelines (e.g., World Health Organization [WHO]; National Comprehensive Cancer Network [NCCN]) as providing diagnostic, prognostic, or therapeutic information. 3) Information in the literature supports potential biologic effect of variant (PMID: 9927040). 4) Diagnostic for a specific tumor type/classification based on well-powered studies with expert-level consensus (Evidence Level B; PMIDs: 9927040, 22810696).

Blueprint Genetics
Classification: Pathogenic for TGFBR2-related disorders. Last evaluated: 2023-05-18. Review status: criteria provided, single submitter. Criteria: ACMG Guidelines, 2015. Collection method: clinical testing. Allele origin: de novo. Affected: yes. Observed: 1 variant allele.

Laboratory for Molecular Medicine, Mass General Brigham Personalized Medicine
Classification: Pathogenic for Loeys-Dietz syndrome. Last evaluated: 2014-08-29. Review status: criteria provided, single submitter. Criteria: LMM Criteria. Collection method: clinical testing. Allele origin: germline. Observed: 2 variant alleles.
Comment: The Arg528His variant in TGFBR2 has been identified in >8 individuals with Loeys -Dietz syndrome and was found to occur de novo in one of these individuals (Loey s 2005, Loeys 2006, LMM unpublished data). It was absent from large population s tudies. In vitro and in vivo functional studies provide evidence that the Arg528 His variant may impact protein function. Computational prediction tools and cons ervation analysis suggest that the Arg528His variant may impact the protein, tho ugh this information is not predictive enough to determine pathogenicity. In sum mary, this variant meets our criteria to be classified as pathogenic.

OMIM
Classification: Pathogenic for LOEYS-DIETZ SYNDROME 2. Last evaluated: 2005-03-01. Review status: no assertion criteria provided. Collection method: literature only. Allele origin: unknown. Not counted in ClinVar's aggregate classification.

OMIM
Classification: Pathogenic for COLON CANCER, HEREDITARY NONPOLYPOSIS, TYPE 6, SOMATIC. Last evaluated: 2005-03-01. Review status: no assertion criteria provided. Collection method: literature only. Allele origin: somatic. Not counted in ClinVar's aggregate classification.

Literature cited by the submitters: PubMed 20301312 (cited by Victorian Clinical Genetics Services, Murdoch Childrens Research Institute); PubMed 32528524 (cited by Victorian Clinical Genetics Services, Murdoch Childrens Research Institute); PubMed 15731757 (cited by 6 submitters); PubMed 28679693 (cited by Victorian Clinical Genetics Services, Murdoch Childrens Research Institute); PubMed 20628007 (cited by Ambry Genetics); PubMed 22488992 (cited by Ambry Genetics and Labcorp Genetics (formerly Invitae), Labcorp); PubMed 24146167 (cited by Ambry Genetics); PubMed 9927040 (cited by 3 submitters); PubMed 16928994 (cited by Labcorp Genetics (formerly Invitae), Labcorp and Laboratory for Molecular Medicine, Mass General Brigham Personalized Medicine); PubMed 19996017 (cited by Labcorp Genetics (formerly Invitae), Labcorp); PubMed 20956634 (cited by Labcorp Genetics (formerly Invitae), Labcorp); PubMed 23103230 (cited by Labcorp Genetics (formerly Invitae), Labcorp); PubMed 25116393 (cited by Labcorp Genetics (formerly Invitae), Labcorp); PubMed 22810696 (cited by Institute for Genomic Medicine (IGM) Clinical Laboratory, Nationwide Children's Hospital).